The following is an entry in ClinVar:

NM_001242896.3(DEPDC5):c.4242_4243dup (p.Leu1415fs)

Gene: DEPDC5 (DEP domain containing 5, GATOR1 subcomplex subunit; plus strand). Cytogenetic location: 22q12.3.
Variant type: Duplication.
Coding change: c.4242_4243dup on transcript NM_001242896.3 (MANE Select); coding-DNA positions 4242 to 4243, 2 bases duplicated (CT; older notation c.4242_4243dupCT).
Protein change: p.Leu1415fs; shifts the reading frame from leucine 1415.
Molecular consequence: frameshift variant. On other transcripts: non-coding transcript variant (5).
Genome position (GRCh38, 1-based): chr22:31,897,520-31,897,521, CT duplicated; duplicating any 2 consecutive bases within chr22:31,897,519-31,897,521 gives the same sequence; the c. name uses the placement nearest the transcript's 3' end. VCF-style (leftmost placement, unchanged base first): chr22-31897518-T-TTC. GRCh37 (hg19) VCF-style: chr22-32293504-T-TTC.
Other names: c.4215_4216dup, p.Leu1406fs (NM_001136029.4); c.3942_3943dup, p.Leu1315fs (NM_001242897.2); c.4176_4177dup, p.Leu1393fs (NM_001363852.2, NM_001364320.2); c.4008_4009dup, p.Leu1337fs (NM_001363854.2, NM_001364319.2); c.4242_4243dup, p.Leu1415fs (NM_001364318.2); c.4158_4159dup, p.Leu1387fs (NM_001369901.1, NM_001369902.1); c.4149_4150dup, p.Leu1384fs (NM_001369903.1, NM_014662.6); short protein forms L1387fs, L1415fs, L1337fs, L1384fs, L1315fs, L1393fs, L1406fs.
Identifiers: ClinVar variation 1452696 (VCV001452696.6), dbSNP rs2149397188, ClinGen allele CA2573158045.

ClinVar aggregate classification (germline): Pathogenic (1 of 4 stars; one submission).

Conditions:
Familial focal epilepsy with variable foci (FPEVF). Identifiers: Orphanet 98820, MedGen C1858477, MONDO:0020310.

Submission:

Labcorp Genetics (formerly Invitae), Labcorp
Classification: Pathogenic for Familial focal epilepsy with variable foci. Last evaluated: 2022-07-12. Review status: criteria provided, single submitter. Criteria: Invitae Variant Classification Sherloc (09022015). Collection method: clinical testing. Allele origin: germline.
Comment: For these reasons, this variant has been classified as Pathogenic. ClinVar contains an entry for this variant (Variation ID: 1452696). This variant has not been reported in the literature in individuals affected with DEPDC5-related conditions. This variant is not present in population databases (gnomAD no frequency). This sequence change creates a premature translational stop signal (p.Leu1415Serfs*3) in the DEPDC5 gene. It is expected to result in an absent or disrupted protein product. Loss-of-function variants in DEPDC5 are known to be pathogenic (PMID: 23542697, 23542701).

Literature cited by the submitters: PubMed 23542697; PubMed 23542701.